The following is an entry in ClinVar:

ClinVar aggregate classification (germline): Conflicting classifications of pathogenicity. Review status: criteria provided, conflicting classifications (1 of 4 stars). 5 submissions from 5 submitters: Uncertain significance (2); Likely benign (1). 2 of the submissions do not count toward it. Last evaluated 2025-03-04.

Conditions:
Familial acute necrotizing encephalopathy (IIAE3). Also called: Susceptibility to Acute Necrotizing Encephalopathy 1; ENCEPHALOPATHY, ACUTE, INFECTION-INDUCED, SUSCEPTIBILITY TO, 3. Identifiers: Orphanet 88619, MedGen C2675556, MONDO:0011953, OMIM 608033.

Allele frequency attached by ClinVar (database versions not stated): gnomAD exomes 0.00002 and 0.00012; ExAC 0.00006; gnomAD 0.00011 and 0.00012.
gnomAD v4.1: 83 of 1,560,650 alleles (0.0053%); highest among the groups gnomAD compares: Non-Finnish European, 0.0066%; no homozygotes.

Submissions (5):

Ambry Genetics
Classification: Uncertain significance. Last evaluated: 2025-03-04. Review status: criteria provided, single submitter. Criteria: Ambry Variant Classification Scheme 2023. Collection method: clinical testing. Allele origin: germline.

Blueprint Genetics
Classification: Likely benign. Last evaluated: 2023-10-17. Review status: criteria provided, single submitter. Criteria: ACMG Guidelines, 2015. Collection method: clinical testing. Allele origin: germline.

Labcorp Genetics (formerly Invitae), Labcorp
Classification: Uncertain significance for Familial acute necrotizing encephalopathy. Last evaluated: 2023-07-07. Review status: criteria provided, single submitter. Criteria: Invitae Variant Classification Sherloc (09022015). Collection method: clinical testing. Allele origin: germline.
Comment: An algorithm developed to predict the effect of missense changes on protein structure and function (PolyPhen-2) suggests that this variant is likely to be tolerated. In summary, the available evidence is currently insufficient to determine the role of this variant in disease. Therefore, it has been classified as a Variant of Uncertain Significance. ClinVar contains an entry for this variant (Variation ID: 469467). This variant has not been reported in the literature in individuals affected with RANBP2-related conditions. This variant is present in population databases (rs776380363, gnomAD 0.005%). This sequence change replaces glycine, which is neutral and non-polar, with arginine, which is basic and polar, at codon 1667 of the RANBP2 protein (p.Gly1667Arg).

Clinical Genetics DNA and cytogenetics Diagnostics Lab, Erasmus MC, Erasmus Medical Center
Classification: Uncertain significance. Review status: no assertion criteria provided. Collection method: clinical testing. Allele origin: germline. Affected: yes. Study: VKGL Data-share Consensus. Not counted in ClinVar's aggregate classification.

Diagnostic Laboratory, Department of Genetics, University Medical Center Groningen
Classification: Uncertain significance. Review status: no assertion criteria provided. Collection method: clinical testing. Allele origin: germline. Affected: yes. Study: VKGL Data-share Consensus. Not counted in ClinVar's aggregate classification.

NM_006267.5(RANBP2):c.4999G>A (p.Gly1667Arg)

Gene: RANBP2 (RAN binding protein 2; plus strand). Cytogenetic location: 2q13.
Variant type: single nucleotide variant.
Coding change: c.4999G>A on transcript NM_006267.5 (MANE Select); coding-DNA position 4999, G replaced by A.
Protein change: p.Gly1667Arg; replaces glycine 1667 with arginine.
Molecular consequence: missense variant.
Genome position (GRCh38, 1-based): chr2:108,765,538, G>A. VCF-style: chr2-108765538-G-A. GRCh37 (hg19) VCF-style: chr2-109381994-G-A.
Other names: short protein forms G1667R.
Identifiers: ClinVar variation 469467 (VCV000469467.19), dbSNP rs776380363, ClinGen allele CA1823212.